The following is an entry in ClinVar:

ClinVar aggregate classification (germline): Uncertain significance. Review status: criteria provided, multiple submitters, no conflicts (2 of 4 stars). 2 submissions from 2 submitters: Uncertain significance (2). Last evaluated 2024-10-21.

Conditions:
Inborn genetic diseases. Identifiers: MedGen C0950123, MeSH D030342.

Allele frequency attached by ClinVar (database versions not stated): ExAC 0.00002; gnomAD exomes 0.00002.
gnomAD v4.1: 29 of 1,591,816 alleles (0.0018%); highest among the groups gnomAD compares: African/African-American, 0.0027%; no homozygotes.

Submissions (2):

Ambry Genetics
Classification: Uncertain significance for Inborn genetic diseases. Last evaluated: 2024-10-21. Review status: criteria provided, single submitter. Criteria: Ambry Variant Classification Scheme 2023. Collection method: clinical testing. Allele origin: germline.

Labcorp Genetics (formerly Invitae), Labcorp
Classification: Uncertain significance. Last evaluated: 2021-12-24. Review status: criteria provided, single submitter. Criteria: Invitae Variant Classification Sherloc (09022015). Collection method: clinical testing. Allele origin: germline.
Comment: This sequence change replaces alanine, which is neutral and non-polar, with valine, which is neutral and non-polar, at codon 7 of the PUS1 protein (p.Ala7Val). This variant is present in population databases (rs778774303, gnomAD 0.003%). This variant has not been reported in the literature in individuals affected with PUS1-related conditions. Algorithms developed to predict the effect of missense changes on protein structure and function output the following: SIFT: "Deleterious"; PolyPhen-2: "Benign"; Align-GVGD: "Class C0". The valine amino acid residue is found in multiple mammalian species, which suggests that this missense change does not adversely affect protein function. In summary, the available evidence is currently insufficient to determine the role of this variant in disease. Therefore, it has been classified as a Variant of Uncertain Significance.

NM_025215.6(PUS1):c.20C>T (p.Ala7Val)

Gene: PUS1 (pseudouridine synthase 1; plus strand). Cytogenetic location: 12q24.33.
Variant type: single nucleotide variant.
Coding change: c.20C>T on transcript NM_025215.6 (MANE Select); coding-DNA position 20, C replaced by T.
Protein change: p.Ala7Val; replaces alanine 7 with valine.
Molecular consequence: missense variant. On other transcripts: intron variant (2).
Genome position (GRCh38, 1-based): chr12:131,929,742, C>T. VCF-style: chr12-131929742-C-T. GRCh37 (hg19) VCF-style: chr12-132414287-C-T.
Other names: c.-10-165C>T (NM_001002019.3, NM_001002020.3); c.20C>T (NM_025215.5); short protein forms A7V.
Identifiers: ClinVar variation 2080730 (VCV002080730.2), dbSNP rs778774303, ClinGen allele CA6883971.